The following is an entry in ClinVar:

ClinVar aggregate classification (germline): Conflicting classifications of pathogenicity. Review status: criteria provided, conflicting classifications (1 of 4 stars). 4 submissions from 4 submitters: Uncertain significance (1); Likely benign (2). 1 of the submissions does not count toward it. Last evaluated 2026-01-21.

Conditions:
Congenital adrenal hyperplasia due to cytochrome P450 oxidoreductase deficiency. Also called: DISORDERED STEROIDOGENESIS DUE TO POR DEFICIENCY. Identifiers: Orphanet 95699, MedGen C1860042, MONDO:0013310, OMIM 613571.
POR-related disorder. Also called: POR-related condition.

Allele frequency attached by ClinVar (database versions not stated): gnomAD exomes 0.00011 and 0.00027; ESP Exome Variant Server 0.00024; ExAC 0.00031; gnomAD 0.00049; TOPMed 0.00051; 1000 Genomes Project 30x 0.00156; 1000 Genomes Project 0.00160.
gnomAD v4.1: 247 of 1,613,174 alleles (0.015%); highest among the groups gnomAD compares: African/African-American, 0.14%; 1 homozygote.

Submissions (4):

Labcorp Genetics (formerly Invitae), Labcorp
Classification: Likely benign for Congenital adrenal hyperplasia due to cytochrome P450 oxidoreductase deficiency. Last evaluated: 2026-01-21. Review status: criteria provided, single submitter. Criteria: Invitae Variant Classification Sherloc (09022015). Collection method: clinical testing. Allele origin: germline.

ARUP Laboratories, Molecular Genetics and Genomics, ARUP Laboratories
Classification: Likely benign. Last evaluated: 2019-10-28. Review status: criteria provided, single submitter. Criteria: ARUP Molecular Germline Variant Investigation Process. Collection method: clinical testing. Allele origin: germline.

Illumina Laboratory Services, Illumina
Classification: Uncertain significance for Congenital adrenal hyperplasia due to cytochrome P450 oxidoreductase deficiency. Last evaluated: 2018-01-12. Review status: criteria provided, single submitter. Criteria: ICSL Variant Classification Criteria 13 December 2019. Collection method: clinical testing. Allele origin: germline.

PreventionGenetics, part of Exact Sciences
Classification: Likely benign for POR-related condition. Last evaluated: 2019-04-25. Review status: no assertion criteria provided. Collection method: clinical testing. Allele origin: germline. Not counted in ClinVar's aggregate classification.
Comment: This variant is classified as likely benign based on ACMG/AMP sequence variant interpretation guidelines (Richards et al. 2015 PMID: 25741868, with internal and published modifications).

NM_001395413.1(POR):c.390C>T (p.Asn130=)

Gene: POR (cytochrome p450 oxidoreductase; plus strand). Cytogenetic location: 7q11.23.
Variant type: single nucleotide variant.
Coding change: c.390C>T on transcript NM_001395413.1 (MANE Select); coding-DNA position 390, C replaced by T.
Protein change: p.Asn130=; no amino-acid change (asparagine 130 retained).
Molecular consequence: synonymous variant.
Genome position (GRCh38, 1-based): chr7:75,980,371, C>T. VCF-style: chr7-75980371-C-T. GRCh37 (hg19) VCF-style: chr7-75609689-C-T.
Other names: c.390C>T, p.Asn130= (NM_001367562.3, NM_001382657.2, NM_001382658.3 and 2 more transcripts); c.444C>T, p.Asn148= (NM_001382655.3).
Identifiers: ClinVar variation 360699 (VCV000360699.24), dbSNP rs181837747, ClinGen allele CA4303631.